The following is an entry in ClinVar:

ClinVar aggregate classification (germline): Benign. Review status: criteria provided, multiple submitters, no conflicts (2 of 4 stars). 7 submissions from 7 submitters: Benign (5). 2 of the submissions do not count toward it. Last evaluated 2026-02-04.

Conditions:
SYNE2-related disorder. Also called: SYNE2-related condition.
Emery-Dreifuss muscular dystrophy 5, autosomal dominant (EDMD5). Also called: EMERY-DREIFUSS MUSCULAR DYSTROPHY 5. Identifiers: Orphanet 261, MedGen C2751805, MONDO:0013072, OMIM 612999.

Allele frequency attached by ClinVar (database versions not stated): gnomAD exomes 0.00919; ExAC 0.01145; gnomAD 0.03556 and 0.03853; ESP Exome Variant Server 0.03703; 1000 Genomes Project 0.04054; TOPMed 0.04087; 1000 Genomes Project 30x 0.04372.
gnomAD v4.1: 10,926 of 1,614,150 alleles (0.68%); highest among the groups gnomAD compares: African/African-American, 13%; 674 homozygotes.

Submissions (7):

Labcorp Genetics (formerly Invitae), Labcorp
Classification: Benign for Emery-Dreifuss muscular dystrophy 5, autosomal dominant. Last evaluated: 2026-02-04. Review status: criteria provided, single submitter. Criteria: Invitae Variant Classification Sherloc (09022015). Collection method: clinical testing. Allele origin: germline.

Athena Diagnostics
Classification: Benign. Last evaluated: 2025-02-24. Review status: criteria provided, single submitter. Criteria: Athena Diagnostics Criteria. Collection method: clinical testing. Allele origin: unknown.
Comment: The frequency of this variant in the general population is higher than would generally be expected for pathogenic variants in this gene.

GeneDx
Classification: Benign. Last evaluated: 2018-07-09. Review status: criteria provided, single submitter. Criteria: GeneDx Variant Classification Process June 2021. Collection method: clinical testing. Allele origin: germline. Affected: yes.

Illumina Laboratory Services, Illumina
Classification: Benign for Emery-Dreifuss muscular dystrophy 5, autosomal dominant. Last evaluated: 2018-01-12. Review status: criteria provided, single submitter. Criteria: ICSL Variant Classification Criteria 13 December 2019. Collection method: clinical testing. Allele origin: germline.
Comment: This variant was observed in the ICSL laboratory as part of a predisposition screen in an ostensibly healthy population. It had not been previously curated by ICSL or reported in the Human Gene Mutation Database (HGMD: prior to June 1st, 2018), and was therefore a candidate for classification through an automated scoring system. Utilizing variant allele frequency, disease prevalence and penetrance estimates, and inheritance mode, an automated score was calculated to assess if this variant is too frequent to cause the disease. Based on the score and internal cut-off values, a variant classified as benign is not then subjected to further curation. The score for this variant resulted in a classification of benign for this disease.

Breakthrough Genomics
Classification: Benign. Review status: criteria provided, single submitter. Criteria: ACMG Guidelines, 2015. Collection method: not provided. Allele origin: germline. Inheritance: Autosomal dominant inheritance. Affected: yes.

PreventionGenetics, part of Exact Sciences
Classification: Benign for SYNE2-related condition. Last evaluated: 2020-01-31. Review status: no assertion criteria provided. Collection method: clinical testing. Allele origin: germline. Not counted in ClinVar's aggregate classification.
Comment: This variant is classified as benign based on ACMG/AMP sequence variant interpretation guidelines (Richards et al. 2015 PMID: 25741868, with internal and published modifications).

Genetic Services Laboratory, University of Chicago
Classification: Likely benign for AllHighlyPenetrant. Review status: no assertion criteria provided. Collection method: clinical testing. Allele origin: germline. Inheritance: Autosomal dominant inheritance. Not counted in ClinVar's aggregate classification.
Comment: Likely benign based on allele frequency in 1000 Genomes Project or ESP global frequency and its presence in a patient with a rare or unrelated disease phenotype. NOT Sanger confirmed.

NM_182914.3(SYNE2):c.4536A>G (p.Thr1512=)

Gene: SYNE2 (spectrin repeat containing nuclear envelope protein 2; plus strand). Cytogenetic location: 14q23.2.
Variant type: single nucleotide variant.
Coding change: c.4536A>G on transcript NM_182914.3 (MANE Select); coding-DNA position 4536, A replaced by G.
Protein change: p.Thr1512=; no amino-acid change (threonine 1512 retained).
Molecular consequence: synonymous variant.
Genome position (GRCh38, 1-based): chr14:64,007,181, A>G. VCF-style: chr14-64007181-A-G. GRCh37 (hg19) VCF-style: chr14-64473899-A-G.
Other names: c.4536A>G, p.Thr1512= (NM_015180.6).
Identifiers: ClinVar variation 130498 (VCV000130498.24), dbSNP rs11158524, ClinGen allele CA155581.